The following is an entry in ClinVar:

ClinVar aggregate classification (germline): Pathogenic (1 of 4 stars; one submission).

Conditions:
Ehlers-Danlos syndrome, type 4 (EDSVASC). Also called: Ehlers-Danlos syndrome vascular type; Ehlers Danlos syndrome, ecchymotic type; Ehlers Danlos syndrome, arterial type; Ehlers Danlos syndrome, Sack-Barabas type; Ehlers-Danlos Syndrome Type IV. Identifiers: Orphanet 286, MedGen C0268338, MONDO:0017314, OMIM 130050.

Submission:

Labcorp Genetics (formerly Invitae), Labcorp
Classification: Pathogenic for Ehlers-Danlos syndrome, type 4. Last evaluated: 2017-10-04. Review status: criteria provided, single submitter. Criteria: Invitae Variant Classification Sherloc (09022015). Collection method: clinical testing. Allele origin: germline.
Comment: A gross deletion of the genomic region encompassing the full coding sequence of the COL3A1 gene has been identified. The boundaries of this event are unknown as the deletion extends beyond the assayed region for this gene and therefore may encompass additional genes. A deletion encompassing COL3A1, COL5A2 and other 20 known genes has been reported to segregate with aortic dissection in a multigenerational family (PMID: 20648054). Loss-of-function variants in COL3A1 are known to be pathogenic (PMID: 24922459). For these reasons, this variant has been classified as Pathogenic.

Literature cited by the submitters: PubMed 20648054.

NC_000002.12:g.(?_188974470)_(189580480_?)del

Genes: MIR1245A (microRNA 1245a; plus strand), MIR1245B (microRNA 1245b; minus strand), MIR3129 (microRNA 3129; minus strand), MIR3606 (microRNA 3606; plus strand), SLC40A1 (solute carrier family 40 member 1; minus strand) and 8 more. Cytogenetic location: 2q32.2.
Variant type: Deletion.
Identifiers: ClinVar variation 529340 (VCV000529340.1).